The following is an entry in ClinVar:

NM_015192.4(PLCB1):c.3423G>A (p.Lys1141=)

Gene: PLCB1 (phospholipase C beta 1; plus strand). Cytogenetic location: 20p12.3.
Variant type: single nucleotide variant.
Coding change: c.3423G>A on transcript NM_015192.4 (MANE Select); coding-DNA position 3423, G replaced by A.
Protein change: p.Lys1141=; no amino-acid change (lysine 1141 retained).
Molecular consequence: synonymous variant.
Genome position (GRCh38, 1-based): chr20:8,790,261, G>A. VCF-style: chr20-8790261-G-A. GRCh37 (hg19) VCF-style: chr20-8770908-G-A.
Other names: c.3423G>A, p.Lys1141= (NM_182734.3).
Identifiers: ClinVar variation 1367216 (VCV001367216.6), dbSNP rs2146222958, ClinGen allele CA509641407.

ClinVar aggregate classification (germline): Uncertain significance (1 of 4 stars; one submission).

Conditions:
Developmental and epileptic encephalopathy, 12 (DEE12). Identifiers: MedGen C3150988, MONDO:0013389, OMIM 613722.

Submission:

Labcorp Genetics (formerly Invitae), Labcorp
Classification: Uncertain significance for Developmental and epileptic encephalopathy, 12. Last evaluated: 2022-02-02. Review status: criteria provided, single submitter. Criteria: Invitae Variant Classification Sherloc (09022015). Collection method: clinical testing. Allele origin: germline.
Comment: In summary, the available evidence is currently insufficient to determine the role of this variant in disease. Therefore, it has been classified as a Variant of Uncertain Significance. Variants that disrupt the consensus splice site are a relatively common cause of aberrant splicing (PMID: 17576681, 9536098). Algorithms developed to predict the effect of sequence changes on RNA splicing suggest that this variant may disrupt the consensus splice site. This variant has not been reported in the literature in individuals affected with PLCB1-related conditions. This variant is not present in population databases (gnomAD no frequency). This sequence change affects codon 1141 of the PLCB1 mRNA. It is a 'silent' change, meaning that it does not change the encoded amino acid sequence of the PLCB1 protein. This variant also falls at the last nucleotide of exon 31, which is part of the consensus splice site for this exon.

Literature cited by the submitters: PubMed 17576681; PubMed 9536098.